The following is an entry in ClinVar:

ClinVar aggregate classification (germline): Uncertain significance (1 of 4 stars; one submission).

Conditions:
Surfactant metabolism dysfunction, pulmonary, 4 (SMDP4). Also called: PAP DUE TO CSF2RA DEFICIENCY; PULMONARY ALVEOLAR PROTEINOSIS, CONGENITAL, 4; CSF2RA DEFICIENCY. Identifiers: Orphanet 264675, MedGen C2677877, MONDO:0010424, OMIM 300770.

Submission:

Labcorp Genetics (formerly Invitae), Labcorp
Classification: Uncertain significance for Surfactant metabolism dysfunction, pulmonary, 4. Last evaluated: 2024-07-04. Review status: criteria provided, single submitter. Criteria: Invitae Variant Classification Sherloc (09022015). Collection method: clinical testing. Allele origin: germline.
Comment: This sequence change falls in intron 4 of the CSF2RA gene. It does not directly change the encoded amino acid sequence of the CSF2RA protein. It affects a nucleotide within the consensus splice site. This variant is present in population databases (no rsID available, gnomAD 0.0009%). This variant has not been reported in the literature in individuals affected with CSF2RA-related conditions. Variants that disrupt the consensus splice site are a relatively common cause of aberrant splicing (PMID: 17576681, 9536098). Algorithms developed to predict the effect of sequence changes on RNA splicing suggest that this variant is not likely to affect RNA splicing. In summary, the available evidence is currently insufficient to determine the role of this variant in disease. Therefore, it has been classified as a Variant of Uncertain Significance.

Literature cited by the submitters: PubMed 17576681; PubMed 9536098.

NM_172245.4(CSF2RA):c.220-3del

Gene: CSF2RA (colony stimulating factor 2 receptor subunit alpha; plus strand). Cytogenetic location: Xp22.33.
Variant type: Deletion.
Coding change: c.220-3del on transcript NM_172245.4 (MANE Select); 3 bases into the intron before coding-DNA position 220, one base deleted (C; older notation c.220-3delC).
Molecular consequence: intron variant.
Genome position (GRCh38, 1-based): chrX:1,288,516, C deleted. VCF-style (leftmost placement, unchanged base first): chrX-1288515-TC-T. GRCh37 (hg19) VCF-style: chrX-1407408-TC-T.
Other names: c.220-3del (NM_001379166.1, NM_001379158.1, NM_001379153.1 and 20 more transcripts); c.-180-3del (NM_001161532.2).
Identifiers: ClinVar variation 3666484 (VCV003666484.2).